The following is an entry in ClinVar:

ClinVar aggregate classification (germline): Uncertain significance (1 of 4 stars; one submission).

Conditions:
Renal cell carcinoma. Identifiers: Orphanet 217071, MedGen C0007134, MeSH D002292, MONDO:0005086, HP:0005584.

Submission:

Labcorp Genetics (formerly Invitae), Labcorp
Classification: Uncertain significance for Renal cell carcinoma. Last evaluated: 2024-05-15. Review status: criteria provided, single submitter. Criteria: Invitae Variant Classification Sherloc (09022015). Collection method: clinical testing. Allele origin: germline.
Comment: This sequence change replaces threonine, which is neutral and polar, with proline, which is neutral and non-polar, at codon 151 of the MET protein (p.Thr151Pro). This variant is not present in population databases (gnomAD no frequency). This variant has not been reported in the literature in individuals affected with MET-related conditions. Algorithms developed to predict the effect of missense changes on protein structure and function output the following: SIFT: "Not Available"; PolyPhen-2: "Benign"; Align-GVGD: "Not Available". The proline amino acid residue is found in multiple mammalian species, which suggests that this missense change does not adversely affect protein function. In summary, the available evidence is currently insufficient to determine the role of this variant in disease. Therefore, it has been classified as a Variant of Uncertain Significance.

NM_000245.4(MET):c.451A>C (p.Thr151Pro)

Gene: MET (MET proto-oncogene, receptor tyrosine kinase; plus strand). Cytogenetic location: 7q31.2.
Variant type: single nucleotide variant.
Coding change: c.451A>C on transcript NM_000245.4 (MANE Select); coding-DNA position 451, A replaced by C.
Protein change: p.Thr151Pro; replaces threonine 151 with proline.
Molecular consequence: missense variant. On other transcripts: intron variant (1).
Genome position (GRCh38, 1-based): chr7:116,699,535, A>C. VCF-style: chr7-116699535-A-C. GRCh37 (hg19) VCF-style: chr7-116339589-A-C.
Other names: c.451A>C, p.Thr151Pro (NM_001127500.3, NM_001324401.3); c.-91+26958A>C (NM_001324402.2); short protein forms T151P.
Identifiers: ClinVar variation 3653459 (VCV003653459.2).